The following is an entry in ClinVar:

ClinVar aggregate classification (germline): Uncertain significance. Review status: criteria provided, multiple submitters, no conflicts (2 of 4 stars). 6 submissions from 6 submitters: Uncertain significance (6). Last evaluated 2025-10-29.

Conditions:
Ehlers-Danlos syndrome, dermatosparaxis type. Also called: EDS VIIC; Ehlers-Danlos syndrome, type VII, autosomal recessive; Dermatosparaxis. Identifiers: Orphanet 1901, MedGen C2700425, MONDO:0009161, OMIM 225410.
Inborn genetic diseases. Identifiers: MedGen C0950123, MeSH D030342.

Allele frequency attached by ClinVar (database versions not stated): gnomAD 0.00003 and 0.00004; TOPMed 0.00003; gnomAD exomes 0.00004 and 0.00009; ExAC 0.00006.
gnomAD v4.1: 136 of 1,613,816 alleles (0.0084%); highest among the groups gnomAD compares: Non-Finnish European, 0.011%; no homozygotes.

Submissions (6):

Ambry Genetics
Classification: Uncertain significance for Inborn genetic diseases. Last evaluated: 2025-10-29. Review status: criteria provided, single submitter. Criteria: Ambry Variant Classification Scheme 2023. Collection method: clinical testing. Allele origin: germline.

Women's Health and Genetics/Laboratory Corporation of America, LabCorp
Classification: Uncertain significance. Last evaluated: 2025-10-13. Review status: criteria provided, single submitter. Criteria: LabCorp Variant Classification Summary - May 2015. Collection method: clinical testing. Allele origin: germline.
Comment: Variant summary: ADAMTS2 c.2171T>A (p.Val724Glu) results in a non-conservative amino acid change in the encoded protein sequence. Algorithms developed to predict the effect of missense changes on protein structure and function are either unavailable or do not agree on the potential impact of this missense change. The variant allele was found at a frequency of 4.4e-05 in 251158 control chromosomes. This frequency is not significantly higher than estimated for disease-causing variants in ADAMTS2, allowing no conclusion about variant significance. To our knowledge, no occurrence of c.2171T>A in individuals affected with ADAMTS2-related conditions and no experimental evidence demonstrating its impact on protein function have been reported. ClinVar contains an entry for this variant (Variation ID: 1675242). Based on the evidence outlined above, the variant was classified as uncertain significance.

CeGaT Center for Human Genetics Tuebingen
Classification: Uncertain significance. Last evaluated: 2025-07-01. Review status: criteria provided, single submitter. Criteria: CeGaT Center For Human Genetics Tuebingen Variant Classification Criteria Version 2. Collection method: clinical testing. Allele origin: germline. Affected: yes. Observed: 2 variant alleles.
Comment: ADAMTS2: PM2

Labcorp Genetics (formerly Invitae), Labcorp
Classification: Uncertain significance for Ehlers-Danlos syndrome, dermatosparaxis type. Last evaluated: 2024-08-08. Review status: criteria provided, single submitter. Criteria: Invitae Variant Classification Sherloc (09022015). Collection method: clinical testing. Allele origin: germline.
Comment: This sequence change replaces valine, which is neutral and non-polar, with glutamic acid, which is acidic and polar, at codon 724 of the ADAMTS2 protein (p.Val724Glu). This variant is present in population databases (rs761256475, gnomAD 0.009%). This variant has not been reported in the literature in individuals affected with ADAMTS2-related conditions. ClinVar contains an entry for this variant (Variation ID: 1675242). An algorithm developed to predict the effect of missense changes on protein structure and function (PolyPhen-2) suggests that this variant is likely to be disruptive. In summary, the available evidence is currently insufficient to determine the role of this variant in disease. Therefore, it has been classified as a Variant of Uncertain Significance.

GeneDx
Classification: Uncertain significance. Last evaluated: 2022-03-24. Review status: criteria provided, single submitter. Criteria: GeneDx Variant Classification Process June 2021. Collection method: clinical testing. Allele origin: germline. Affected: yes.
Comment: Has not been previously published as pathogenic or benign to our knowledge; Not observed at significant frequency in large population cohorts (gnomAD); In silico analysis supports that this missense variant has a deleterious effect on protein structure/function

Blueprint Genetics
Classification: Uncertain significance. Last evaluated: 2020-03-03. Review status: criteria provided, single submitter. Criteria: ACMG Guidelines, 2015. Collection method: clinical testing. Allele origin: germline.

NM_014244.5(ADAMTS2):c.2171T>A (p.Val724Glu)

Gene: ADAMTS2 (ADAM metallopeptidase with thrombospondin type 1 motif 2; minus strand). Cytogenetic location: 5q35.3.
Variant type: single nucleotide variant.
Coding change: c.2171T>A on transcript NM_014244.5 (MANE Select); coding-DNA position 2171, T replaced by A.
Protein change: p.Val724Glu; replaces valine 724 with glutamic acid.
Molecular consequence: missense variant.
Genome position (GRCh38, 1-based): chr5:179,132,815, A>T on the plus strand (T>A on the coding strand, the complement: ADAMTS2 is on the minus strand). VCF-style: chr5-179132815-A-T. GRCh37 (hg19) VCF-style: chr5-178559816-A-T.
Other names: short protein forms V724E.
Identifiers: ClinVar variation 1675242 (VCV001675242.36), dbSNP rs761256475, ClinGen allele CA3595647.
Genomic context (GRCh38, chr5:179,132,815, plus strand): 5'-TGGAGAGCAGGGACCCACTCACCATGCTTCTTGGGTGACCGTGTGAACGTGCCCTTGACC[A>T]CTTTGCAGTGGCTGTTGTCCCCTCCGCACACGCCACACTTGTCTTCCTGCTTGCTGGAGC-3'
Protein context (NP_055059.2, residues 714-734): VCGGDNSHCK[Val724Glu]VKGTFTRSPK